The following is an entry in ClinVar:

ClinVar aggregate classification (germline): Benign/Likely benign. Review status: criteria provided, multiple submitters, no conflicts (2 of 4 stars). 4 submissions from 4 submitters: Benign (1); Likely benign (3). Last evaluated 2025-08-18.

Allele frequency attached by ClinVar (database versions not stated): ExAC 0.00003; gnomAD exomes 0.00003; gnomAD 0.00004 and 0.00005; TOPMed 0.00005; 1000 Genomes Project 0.00020; 1000 Genomes Project 30x 0.00031.
gnomAD v4.1: 47 of 1,613,234 alleles (0.0029%); highest among the groups gnomAD compares: Middle Eastern, 0.016%; no homozygotes.

Submissions (4):

Labcorp Genetics (formerly Invitae), Labcorp
Classification: Likely benign. Last evaluated: 2025-08-18. Review status: criteria provided, single submitter. Criteria: Invitae Variant Classification Sherloc (09022015). Collection method: clinical testing. Allele origin: germline.

Blueprint Genetics
Classification: Likely benign. Last evaluated: 2024-10-14. Review status: criteria provided, single submitter. Criteria: ACMG Guidelines, 2015. Collection method: clinical testing. Allele origin: germline.

CeGaT Center for Human Genetics Tuebingen
Classification: Likely benign. Last evaluated: 2022-11-01. Review status: criteria provided, single submitter. Criteria: CeGaT Center For Human Genetics Tuebingen Variant Classification Criteria Version 2. Collection method: clinical testing. Allele origin: germline. Affected: yes. Observed: 1 variant allele.
Comment: NOTCH3: BP4, BP7

Athena Diagnostics
Classification: Benign. Last evaluated: 2020-11-03. Review status: criteria provided, single submitter. Criteria: Athena Diagnostics criteria. Collection method: clinical testing. Allele origin: unknown.

NM_000435.3(NOTCH3):c.963C>T (p.Ala321=)

Gene: NOTCH3 (notch receptor 3; minus strand). Cytogenetic location: 19p13.12.
Variant type: single nucleotide variant.
Coding change: c.963C>T on transcript NM_000435.3 (MANE Select); coding-DNA position 963, C replaced by T.
Protein change: p.Ala321=; no amino-acid change (alanine 321 retained).
Molecular consequence: synonymous variant.
Genome position (GRCh38, 1-based): chr19:15,191,497, G>A on the plus strand (C>T on the coding strand, the complement: NOTCH3 is on the minus strand). VCF-style: chr19-15191497-G-A. GRCh37 (hg19) VCF-style: chr19-15302308-G-A.
Identifiers: ClinVar variation 724446 (VCV000724446.35), dbSNP rs538938551, ClinGen allele CA9263749.